The following is an entry in ClinVar:

NM_006514.4(SCN10A):c.495C>T (p.Thr165=)

Gene: SCN10A (sodium voltage-gated channel alpha subunit 10; minus strand). Cytogenetic location: 3p22.2.
Variant type: single nucleotide variant.
Coding change: c.495C>T on transcript NM_006514.4 (MANE Select); coding-DNA position 495, C replaced by T.
Protein change: p.Thr165=; no amino-acid change (threonine 165 retained).
Molecular consequence: synonymous variant.
Genome position (GRCh38, 1-based): chr3:38,771,383, G>A on the plus strand (C>T on the coding strand, the complement: SCN10A is on the minus strand). VCF-style: chr3-38771383-G-A. GRCh37 (hg19) VCF-style: chr3-38812874-G-A.
Other names: c.495C>T, p.Thr165= (NM_001293306.2, NM_001293307.2).
Identifiers: ClinVar variation 1744385 (VCV001744385.4), dbSNP rs774855939, ClinGen allele CA2321181.
Genomic context (GRCh38, chr3:38,771,383, plus strand): 5'-CAGGTACGTGAACTCATTTAGACAAAATCCTCTTGCCAGTATCTTTATCAAGGCTTCAAA[G>A]GTGTAAATGACAGTGAAGACATATCTGGGAAGGAGGGTAGAAAAGGAGTGTCAACTGTGC-3'
Protein context (NP_006505.4, residues 155-175): KIEYVFTVIY[Thr165=]FEALIKILAR

ClinVar aggregate classification (germline): Conflicting classifications of pathogenicity. Review status: criteria provided, conflicting classifications (1 of 4 stars). 2 submissions from 2 submitters: Uncertain significance (1); Likely benign (1). Last evaluated 2024-10-03.

Conditions:
Cardiovascular phenotype. Identifiers: MedGen CN230736.
Brugada syndrome. Also called: Sudden unexplained nocturnal death syndrome; Sudden unexpected nocturnal death syndrome; Sudden Unexplained Death Syndrome; Sudden Unexplained Nocturnal Death Syndrome (SUNDS). Identifiers: Orphanet 130, MedGen C1142166, MONDO:0015263.

Allele frequency attached by ClinVar (database versions not stated): ExAC 0.00001; gnomAD 0.00001.
gnomAD v4.1: 3 of 1,613,920 alleles (0.00019%); highest among the groups gnomAD compares: African/African-American, 0.0013%; no homozygotes.

Submissions (2):

Labcorp Genetics (formerly Invitae), Labcorp
Classification: Likely benign for Brugada syndrome. Last evaluated: 2024-10-03. Review status: criteria provided, single submitter. Criteria: Invitae Variant Classification Sherloc (09022015). Collection method: clinical testing. Allele origin: germline.

Ambry Genetics
Classification: Uncertain significance for Cardiovascular phenotype. Last evaluated: 2022-10-19. Review status: criteria provided, single submitter. Criteria: Ambry Variant Classification Scheme 2023. Collection method: clinical testing. Allele origin: germline.
Comment: The c.495C>T variant (also known as p.T165T), located in coding exon 4 of the SCN10A gene, results from a C to T substitution at nucleotide position 495. This nucleotide substitution does not change the threonine at codon 165. This nucleotide position is not well conserved in available vertebrate species. In silico splice site analysis for this alteration is inconclusive. The evidence for this gene-disease relationship is limited; therefore, the clinical significance of this alteration is unclear.